The following is an entry in ClinVar:

NM_006070.6(TFG):c.196A>G (p.Ile66Val)

Gene: TFG (trafficking from ER to golgi regulator; plus strand). Cytogenetic location: 3q12.2.
Variant type: single nucleotide variant.
Coding change: c.196A>G on transcript NM_006070.6 (MANE Select); coding-DNA position 196, A replaced by G.
Protein change: p.Ile66Val; replaces isoleucine 66 with valine.
Molecular consequence: missense variant.
Genome position (GRCh38, 1-based): chr3:100,719,986, A>G. VCF-style: chr3-100719986-A-G. GRCh37 (hg19) VCF-style: chr3-100438830-A-G.
Other names: c.196A>G, p.Ile66Val (NM_001007565.2, NM_001195478.2, NM_001195479.2); short protein forms I66V.
Identifiers: ClinVar variation 952320 (VCV000952320.10), dbSNP rs2095056321, ClinGen allele CA353838920.
Genomic context (GRCh38, chr3:100,719,986, plus strand): 5'-TGAAAATTTAAAAAATTAAAAAACAACCTTTTTTTTTTTTAAATTCCAGATGGAGATCTT[A>G]TAACAATTTTTGATAGTTCTGACCTTTCCTTTGCAATTCAGTGCAGTAGGATACTGAAAC-3'
Protein context (NP_006061.2, residues 56-76): IKYKDEDGDL[Ile66Val]TIFDSSDLSF

ClinVar aggregate classification (germline): Uncertain significance. Review status: criteria provided, multiple submitters, no conflicts (2 of 4 stars). 2 submissions from 2 submitters: Uncertain significance (2). Last evaluated 2025-03-18.

Conditions:
Inborn genetic diseases. Identifiers: MedGen C0950123, MeSH D030342.
Hereditary spastic paraplegia 57. Also called: Spastic paraplegia 57, autosomal recessive. Identifiers: Orphanet 431329, MedGen C3714897, MONDO:0014295, OMIM 615658.
Hereditary motor and sensory neuropathy, Okinawa type (HMSNO). Also called: HEREDITARY MOTOR AND SENSORY NEUROPATHY, PROXIMAL TYPE. Identifiers: Orphanet 90117, MedGen C1858338, MONDO:0011468, OMIM 604484.

Submissions (2):

Labcorp Genetics (formerly Invitae), Labcorp
Classification: Uncertain significance for Hereditary motor and sensory neuropathy, Okinawa type; Hereditary spastic paraplegia 57. Last evaluated: 2025-03-18. Review status: criteria provided, single submitter. Criteria: Invitae Variant Classification Sherloc (09022015). Collection method: clinical testing. Allele origin: germline.
Comment: This sequence change replaces isoleucine, which is neutral and non-polar, with valine, which is neutral and non-polar, at codon 66 of the TFG protein (p.Ile66Val). This variant is not present in population databases (gnomAD no frequency). This variant has not been reported in the literature in individuals affected with TFG-related conditions. ClinVar contains an entry for this variant (Variation ID: 952320). Invitae Evidence Modeling of protein sequence and biophysical properties (such as structural, functional, and spatial information, amino acid conservation, physicochemical variation, residue mobility, and thermodynamic stability) indicates that this missense variant is not expected to disrupt TFG protein function with a negative predictive value of 80%. In summary, the available evidence is currently insufficient to determine the role of this variant in disease. Therefore, it has been classified as a Variant of Uncertain Significance.

Ambry Genetics
Classification: Uncertain significance for Inborn genetic diseases. Last evaluated: 2024-01-30. Review status: criteria provided, single submitter. Criteria: Ambry Variant Classification Scheme 2023. Collection method: clinical testing. Allele origin: germline.